The following is an entry in ClinVar:

NC_000004.11:g.15589466_15589468delGAA

Genes: FBXL5 (F-box and leucine rich repeat protein 5; minus strand), CC2D2A (coiled-coil and C2 domain containing 2A; plus strand). Cytogenetic location: 4p15.32.
Variant type: Microsatellite.
Molecular consequence: inframe deletion (on NM_001378615.1).
Genome position: GRCh38 VCF-style: chr4-15587842-TGAA-T. GRCh37 (hg19) VCF-style: chr4-15589465-TGAA-T.
Other names: c.4099_4101delGAA (NM_001080522.2); c.3946GAA[2], p.Glu1318del (NM_001378617.1); c.4093GAA[2], p.Glu1367del (NM_001080522.2, NM_001378615.1); c.4099_4101del (NM_001378615.1); short protein forms E1367del, E1318del.
Identifiers: ClinVar variation 242585 (VCV000242585.10), dbSNP rs794729225, ClinGen allele CA352228.
Genomic context (GRCh38, chr4:15,587,842, plus strand): 5'-GTCATACAACATAATTTTTTTTTCTTTTTGTCAGCAATTTCTTGATCTCCTGGCAGGGGA[TGAA>T]GAAGAACATGCAGTACTATTGTGTAATTACTTTCTGTCTCTGGGTAAGAAGGCCTGGCTG-3'

ClinVar aggregate classification (germline): Conflicting classifications of pathogenicity. Review status: criteria provided, conflicting classifications (1 of 4 stars). 5 submissions from 5 submitters: Likely pathogenic (3); Uncertain significance (2). Last evaluated 2026-08-17.

Conditions:
Joubert syndrome 9 (JBTS9). Identifiers: Orphanet 2318, MedGen C2676788, MONDO:0012849, OMIM 612285.
Joubert syndrome. Also called: Familial aplasia of the vermis; JOUBERT-BOLTSHAUSER SYNDROME. Identifiers: Orphanet 475, MedGen C5979921, MONDO:0018772.
Meckel-Gruber syndrome. Also called: Dysencephalia splachnocystica; DYSENCEPHALIA SPLANCHNOCYSTICA; GRUBER SYNDROME. Identifiers: Orphanet 564, MedGen C0265215, MONDO:0018921.
Inborn genetic diseases. Identifiers: MedGen C0950123, MeSH D030342.
Joubert syndrome and related disorders. Identifiers: Orphanet 140874, MedGen C5679612, MONDO:0015369.
Joubert syndrome 1 (JBTS1). Also called: Cerebellooculorenal syndrome 1; CEREBELLOPARENCHYMAL DISORDER IV. Identifiers: MedGen C4551568, MONDO:0008944, OMIM 213300.

Submissions (5):

Myriad Genetics, Inc.
Classification: Uncertain significance for Joubert syndrome and related disorders. Last evaluated: 2026-08-17. Review status: criteria provided, single submitter. Criteria: Myriad Autosomal Dominant, Autosomal Recessive and X-Linked Classification Criteria (2023). Collection method: clinical testing. Allele origin: unknown.
Comment: NM_001080522.2(CC2D2A):c.4099_4101delGAA(E1367del) is an in-frame deletion classified as a variant of uncertain significance in the context of CC2D2A-related disorders. E1367del has not been observed in cases with relevant disease. Relevant functional assessments of this variant are not available in the literature. E1367del has been observed in referenced population frequency databases. In summary, there is insufficient evidence to classify NM_001080522.2(CC2D2A):c.4099_4101delGAA(E1367del) as pathogenic or benign. Please note: this variant was assessed in the context of healthy population screening.

3billion
Classification: Likely pathogenic for Joubert syndrome 9. Last evaluated: 2025-07-18. Review status: criteria provided, single submitter. Criteria: ACMG Guidelines, 2015. Collection method: clinical testing. Allele origin: germline. Affected: yes.
Comment: The variant is observed at an extremely low frequency in the gnomAD v4.1.0 dataset (total allele frequency: <0.001%). Predicted Consequence/Location: Inframe deletion located in a nonrepeat region: predicted to change the length of the protein and disrupt normal protein function. In silico tool predictions suggest damaging effect of the variant on gene or gene product [3Cnet: 0.86 (damaging >0.75, benign <0.1)]. In silico tools predict the variant to alter splicing and produce an abnormal transcript [SpliceAI: 0.20 (spliceogenicity >=0.2, non-spliceogenicity <0.1)]. The variant has been reported to be in trans with a pathogenic variant as either compound heterozygous or homozygous in at least one similarly affected unrelated individual (3billion dataset). The variant has been reported at least twice as pathogenic without evidence for the classification (ClinVar ID: VCV000242585). Therefore, this variant is classified as Likely pathogenic according to the recommendation of ACMG/AMP guideline.

Labcorp Genetics (formerly Invitae), Labcorp
Classification: Uncertain significance for Joubert syndrome; Meckel-Gruber syndrome. Last evaluated: 2022-08-31. Review status: criteria provided, single submitter. Criteria: Invitae Variant Classification Sherloc (09022015). Collection method: clinical testing. Allele origin: germline.
Comment: This variant, c.4099_4101del, results in the deletion of 1 amino acid(s) of the CC2D2A protein (p.Glu1367del), but otherwise preserves the integrity of the reading frame. This variant is present in population databases (rs794729225, gnomAD 0.003%). This variant has not been reported in the literature in individuals affected with CC2D2A-related conditions. ClinVar contains an entry for this variant (Variation ID: 242585). Experimental studies and prediction algorithms are not available or were not evaluated, and the functional significance of this variant is currently unknown. Algorithms developed to predict the effect of sequence changes on RNA splicing suggest that this variant may disrupt the consensus splice site. In summary, the available evidence is currently insufficient to determine the role of this variant in disease. Therefore, it has been classified as a Variant of Uncertain Significance.

Mendelics
Classification: Likely pathogenic for Joubert syndrome 1. Last evaluated: 2019-05-28. Review status: criteria provided, single submitter. Criteria: Mendelics Assertion Criteria 2017. Collection method: clinical testing. Allele origin: unknown.

Ambry Genetics
Classification: Likely pathogenic for Inborn genetic diseases. Last evaluated: 2017-10-04. Review status: criteria provided, single submitter. Criteria: Ambry exome assertion method (8-5-2015). Collection method: clinical testing. Allele origin: germline. Affected: yes. Observed: 1 variant allele.